The following is an entry in ClinVar:

NM_000038.6(APC):c.5078A>G (p.Glu1693Gly)

Gene: APC (APC regulator of Wnt signaling pathway; plus strand). Cytogenetic location: 5q22.2.
Variant type: single nucleotide variant.
Coding change: c.5078A>G on transcript NM_000038.6 (MANE Select); coding-DNA position 5078, A replaced by G.
Protein change: p.Glu1693Gly; replaces glutamic acid 1693 with glycine.
Molecular consequence: missense variant.
Genome position (GRCh38, 1-based): chr5:112,840,672, A>G. VCF-style: chr5-112840672-A-G. GRCh37 (hg19) VCF-style: chr5-112176369-A-G.
Other names: c.5078A>G, p.Glu1693Gly (NM_001127510.3, NM_001354895.2); c.5024A>G, p.Glu1675Gly (NM_001127511.3); c.5132A>G, p.Glu1711Gly (NM_001354896.2); c.5108A>G, p.Glu1703Gly (NM_001354897.2); c.5003A>G, p.Glu1668Gly (NM_001354898.2); c.4994A>G, p.Glu1665Gly (NM_001354899.2); c.4955A>G, p.Glu1652Gly (NM_001354900.2); c.4901A>G, p.Glu1634Gly (NM_001354901.2); and 5 more; short protein forms E1592G, E1693G, E1533G, E1665G, E1567G, E1602G, E1668G, E1675G.
Identifiers: ClinVar variation 825419 (VCV000825419.19), dbSNP rs533667536, ClinGen allele CA040604.

ClinVar aggregate classification (germline): Conflicting classifications of pathogenicity. Review status: criteria provided, conflicting classifications (1 of 4 stars). 5 submissions from 5 submitters: Uncertain significance (2); Benign (2); Likely benign (1). Last evaluated 2025-07-14.

Conditions:
APC-Associated Polyposis Disorders.
Hereditary cancer-predisposing syndrome. Also called: Neoplastic Syndromes, Hereditary; Tumor predisposition; Hereditary neoplastic syndrome; Hereditary Cancer Syndrome. Identifiers: Orphanet 140162, MedGen C0027672, MeSH D009386, MONDO:0015356.
Familial adenomatous polyposis 1 (FAP1). Also called: POLYPOSIS, ADENOMATOUS INTESTINAL; FAMILIAL ADENOMATOUS POLYPOSIS 1, ATTENUATED. Identifiers: MedGen C2713442, MONDO:0021056, OMIM 175100. Disease mechanism: loss of function.

Allele frequency attached by ClinVar (database versions not stated): gnomAD below 0.00001 and 0.00002; gnomAD exomes 0.00002 and 0.00003; ExAC 0.00005; 1000 Genomes Project 30x 0.00016; 1000 Genomes Project 0.00020.
gnomAD v4.1: 30 of 1,614,068 alleles (0.0019%); highest among the groups gnomAD compares: South Asian, 0.032%; no homozygotes.

Submissions (5):

Labcorp Genetics (formerly Invitae), Labcorp
Classification: Benign for Familial adenomatous polyposis 1. Last evaluated: 2025-07-14. Review status: criteria provided, single submitter. Criteria: Invitae Variant Classification Sherloc (09022015). Collection method: clinical testing. Allele origin: germline.

Myriad Genetics, Inc.
Classification: Likely benign for Familial adenomatous polyposis 1. Last evaluated: 2025-01-29. Review status: criteria provided, single submitter. Criteria: Myriad Autosomal Dominant, Autosomal Recessive and X-Linked Classification Criteria (2023). Collection method: clinical testing. Allele origin: unknown.
Comment: This variant is considered likely benign. This variant has been observed at a population frequency that is significantly greater than expected given the associated disease prevalence and penetrance.

Color Diagnostics, LLC DBA Color Health
Classification: Uncertain significance for Hereditary cancer-predisposing syndrome. Last evaluated: 2024-03-06. Review status: criteria provided, single submitter. Criteria: ACMG Guidelines, 2015. Collection method: clinical testing. Allele origin: germline.
Comment: This missense variant replaces glutamic acid with glycine at codon 1693 of the APC protein. Computational prediction suggests that this variant may have deleterious impact on protein structure and function (internally defined REVEL score threshold >= 0.7, PMID: 27666373). To our knowledge, functional studies have not been reported for this variant. This variant has not been reported in individuals affected with hereditary cancer in the literature. This variant has been identified in 8/249550 chromosomes in the general population by the Genome Aggregation Database (gnomAD). The available evidence is insufficient to determine the role of this variant in disease conclusively. Therefore, this variant is classified as a Variant of Uncertain Significance.

Ambry Genetics
Classification: Benign for Hereditary cancer-predisposing syndrome. Last evaluated: 2022-05-04. Review status: criteria provided, single submitter. Criteria: Ambry Variant Classification Scheme 2023. Collection method: clinical testing. Allele origin: germline.

Illumina Laboratory Services, Illumina
Classification: Uncertain significance for APC-Associated Polyposis Disorders. Last evaluated: 2018-01-13. Review status: criteria provided, single submitter. Criteria: ICSL Variant Classification Criteria 13 December 2019. Collection method: clinical testing. Allele origin: germline.